The following is an entry in ClinVar:

ClinVar aggregate classification (germline): Uncertain significance (1 of 4 stars; one submission).

Allele frequency attached by ClinVar (database versions not stated): ExAC 0.00002; gnomAD exomes 0.00002; gnomAD 0.00003; TOPMed 0.00003; 1000 Genomes Project 30x 0.00016; 1000 Genomes Project 0.00020.
gnomAD v4.1: 34 of 1,587,780 alleles (0.0021%); highest among the groups gnomAD compares: Admixed American, 0.03%; 1 homozygote.

Submission:

Labcorp Genetics (formerly Invitae), Labcorp
Classification: Uncertain significance. Last evaluated: 2025-12-29. Review status: criteria provided, single submitter. Criteria: Invitae Variant Classification Sherloc (09022015). Collection method: clinical testing. Allele origin: germline.
Comment: This sequence change replaces aspartic acid, which is acidic and polar, with histidine, which is basic and polar, at codon 248 of the IL12RB2 protein (p.Asp248His). This variant is present in population databases (rs545150086, gnomAD 0.03%). This variant has not been reported in the literature in individuals affected with IL12RB2-related conditions. ClinVar contains an entry for this variant (Variation ID: 2154750). An algorithm developed to predict the effect of missense changes on protein structure and function (PolyPhen-2) suggests that this variant is likely to be disruptive. Experimental studies have shown that this missense change does not substantially affect IL12RB2 function (PMID: 30578351). In summary, the available evidence is currently insufficient to determine the role of this variant in disease. Therefore, it has been classified as a Variant of Uncertain Significance.

Literature cited by the submitters: PubMed 30578351.

NM_001374259.2(IL12RB2):c.742G>C (p.Asp248His)

Gene: IL12RB2 (interleukin 12 receptor subunit beta 2; plus strand). Cytogenetic location: 1p31.3.
Variant type: single nucleotide variant.
Coding change: c.742G>C on transcript NM_001374259.2 (MANE Select); coding-DNA position 742, G replaced by C.
Protein change: p.Asp248His; replaces aspartic acid 248 with histidine.
Molecular consequence: missense variant. On other transcripts: non-coding transcript variant (2).
Genome position (GRCh38, 1-based): chr1:67,329,664, G>C. VCF-style: chr1-67329664-G-C. GRCh37 (hg19) VCF-style: chr1-67795347-G-C.
Other names: c.742G>C, p.Asp248His (NM_001258214.1, NM_001258215.1, NM_001258216.1 and 2 more transcripts); short protein forms D248H.
Identifiers: ClinVar variation 2154750 (VCV002154750.4), dbSNP rs545150086, ClinGen allele CA900280.